The following is an entry in ClinVar:

ClinVar aggregate classification (germline): Uncertain significance. Review status: criteria provided, multiple submitters, no conflicts (2 of 4 stars). 2 submissions from 2 submitters: Uncertain significance (2). Last evaluated 2023-10-17.

Conditions:
Catecholaminergic polymorphic ventricular tachycardia 1. Also called: RYR2-Related Catecholaminergic Polymorphic Ventricular Tachycardia; VENTRICULAR TACHYCARDIA, CATECHOLAMINERGIC POLYMORPHIC, 1, WITH OR WITHOUT ATRIAL DYSFUNCTION AND/OR DILATED CARDIOMYOPATHY; VENTRICULAR TACHYCARDIA, STRESS-INDUCED POLYMORPHIC 1. Identifiers: Orphanet 3286, MedGen C1631597, MONDO:0011484, OMIM 604772.

Submissions (2):

GeneDx
Classification: Uncertain significance. Last evaluated: 2023-10-17. Review status: criteria provided, single submitter. Criteria: GeneDx Variant Classification Process June 2021. Collection method: clinical testing. Allele origin: germline. Affected: yes.
Comment: Has not been previously published as pathogenic or benign to our knowledge; Not observed at significant frequency in large population cohorts (gnomAD); In silico analysis supports that this missense variant has a deleterious effect on protein structure/function; Not located in one of the three hot-spot regions of the RYR2 gene, where the majority of pathogenic missense variants occur (Medeiros-Domingo et al., 2009); This variant is associated with the following publications: (PMID: 19926015)

Labcorp Genetics (formerly Invitae), Labcorp
Classification: Uncertain significance for Catecholaminergic polymorphic ventricular tachycardia 1. Last evaluated: 2020-01-21. Review status: criteria provided, single submitter. Criteria: Invitae Variant Classification Sherloc (09022015). Collection method: clinical testing. Allele origin: germline.
Comment: This sequence change replaces leucine with proline at codon 611 of the RYR2 protein (p.Leu611Pro). The leucine residue is highly conserved and there is a moderate physicochemical difference between leucine and proline. This variant is not present in population databases (ExAC no frequency). This variant has not been reported in the literature in individuals with RYR2-related conditions. ClinVar contains an entry for this variant (Variation ID: 201224). Algorithms developed to predict the effect of missense changes on protein structure and function (SIFT, PolyPhen-2, Align-GVGD) all suggest that this variant is likely to be disruptive, but these predictions have not been confirmed by published functional studies and their clinical significance is uncertain. In summary, the available evidence is currently insufficient to determine the role of this variant in disease. Therefore, it has been classified as a Variant of Uncertain Significance.

NM_001035.3(RYR2):c.1832T>C (p.Leu611Pro)

Gene: RYR2 (ryanodine receptor 2; plus strand). Cytogenetic location: 1q43.
Variant type: single nucleotide variant.
Coding change: c.1832T>C on transcript NM_001035.3 (MANE Select); coding-DNA position 1832, T replaced by C.
Protein change: p.Leu611Pro; replaces leucine 611 with proline.
Molecular consequence: missense variant.
Genome position (GRCh38, 1-based): chr1:237,492,958, T>C. VCF-style: chr1-237492958-T-C. GRCh37 (hg19) VCF-style: chr1-237656258-T-C.
Other names: p.L611P:CTG>CCG; c.1832T>C, p.Leu611Pro (LRG_402t1); short protein forms L611P.
Identifiers: ClinVar variation 201224 (VCV000201224.14), dbSNP rs794728726, ClinGen allele CA008603.